The following is an entry in ClinVar:

ClinVar aggregate classification (germline): Pathogenic/Likely pathogenic. Review status: criteria provided, multiple submitters, no conflicts (2 of 4 stars). 12 submissions from 12 submitters: Pathogenic (10); Likely pathogenic (1). 1 of the submissions does not count toward it. Last evaluated 2025-05-23.

Conditions:
Osteogenesis imperfecta with normal sclerae, dominant form (OI4). Also called: OSTEOGENESIS IMPERFECTA WITH NORMAL SCLERAE; Osteogenesis imperfecta type 4; OSTEOGENESIS IMPERFECTA, TYPE IV, WITH DENTINOGENESIS IMPERFECTA; Common Variable Osteogenesis Imperfecta with Normal Sclerae; Osteogenesis Imperfecta Type IV. Identifiers: Orphanet 216820, Orphanet 666, MedGen C0268363, MONDO:0008148, OMIM 166220.
Osteogenesis imperfecta, perinatal lethal (OI2). Also called: OI, TYPE II; OSTEOGENESIS IMPERFECTA CONGENITA; VROLIK TYPE OF OSTEOGENESIS IMPERFECTA; OSTEOGENESIS IMPERFECTA, TYPE II; Osteogenesis imperfecta, dominant perinatal lethal; Osteogenesis imperfecta type 2. Identifiers: Orphanet 216804, MedGen C0268358, MONDO:0008147, OMIM 166210.
Osteogenesis imperfecta type III (OI3). Also called: Progressively Deforming Osteogenesis Imperfecta; Osteogenesis imperfecta type 3; OI type 3; Osteogenesis imperfecta, progressively deforming with normal sclerae; OI type III. Identifiers: Orphanet 216812, Orphanet 666, MedGen C0268362, MONDO:0009804, OMIM 259420.
Osteoporosis. Identifiers: MedGen C0029456, MONDO:0005298, OMIM 166710, HP:0000939.
Ehlers-Danlos syndrome, arthrochalasia type. Also called: Ehlers-Danlos syndrome, arthrochalasia type, 1; ARTHROCHALASIS MULTIPLEX CONGENITA; EDS VII, MUTANT PROCOLLAGEN TYPE; EDS VIIA; Ehlers-Danlos syndrome, arthrochalasis type. Identifiers: Orphanet 1899, Orphanet 99875, Orphanet 99876, MedGen C4551623, MONDO:0007525, OMIM 130060.
Combined osteogenesis imperfecta and Ehlers-Danlos syndrome 1. Also called: OIEDS SYNDROME 1. Identifiers: MedGen C5436842, MONDO:0030854, OMIM 619115.
Infantile cortical hyperostosis. Also called: Hyperostosis, Cortical, Congenital; P1PK BLOOD GROUP SYSTEM, P(2) PHENOTYPE; Caffey Disease. Identifiers: Orphanet 1310, MedGen C0020497, MONDO:0007244, OMIM 114000.
Osteogenesis imperfecta type I (OI1). Also called: OI, TYPE I; OSTEOGENESIS IMPERFECTA TARDA; OSTEOGENESIS IMPERFECTA WITH BLUE SCLERAE; Osteogenesis imperfecta type 1; Classic Non-deforming Osteogenesis Imperfecta with Blue Sclerae; Lobstein's Disease. Identifiers: Orphanet 216796, Orphanet 666, MedGen C0023931, MONDO:0008146, OMIM 166200. Disease mechanism: loss of function.
COL1A1-related disorder. Also called: COL1A1-related condition; COL1A1- related disease.

Submissions (12):

Clinical Biomedical Laboratory, Shriners Hospital For Children - Canada
Classification: Pathogenic for Osteogenesis imperfecta type III. Last evaluated: 2025-05-23. Review status: criteria provided, single submitter. Criteria: ACMG Guidelines, 2015. Collection method: clinical testing. Allele origin: germline. Affected: yes.
Comment: This variant is predicted to substitute a glycine residue by a serine residue in the alpha 2 chain of collagen type I. Glycine substitutions in the triple helical domain of collagen type I cause disruption in the formation of the triple helix in the collagen molecule and are a typical cause of osteogenesis imperfecta. This variant is absent from the Genome Aggregation Database (v2.1.1), indicating it is rare. This variant has been reported in the literature (PMID: 27509835). Computational tools (Revel 0.98) suggest that the change is detrimental to protein function.

Labcorp Genetics (formerly Invitae), Labcorp
Classification: Pathogenic for Osteogenesis imperfecta type I. Last evaluated: 2025-04-11. Review status: criteria provided, single submitter. Criteria: Invitae Variant Classification Sherloc (09022015). Collection method: clinical testing. Allele origin: germline.
Comment: This sequence change replaces glycine, which is neutral and non-polar, with serine, which is neutral and polar, at codon 1076 of the COL1A1 protein (p.Gly1076Ser). This variant is not present in population databases (gnomAD no frequency). This missense change has been observed in individual(s) with osteogenesis imperfecta (PMID: 9101304, 26177859, 29150909, 29499418). In at least one individual the variant was observed to be de novo. This variant is also known as Gly898Ser. ClinVar contains an entry for this variant (Variation ID: 425618). Invitae Evidence Modeling of protein sequence and biophysical properties (such as structural, functional, and spatial information, amino acid conservation, physicochemical variation, residue mobility, and thermodynamic stability) indicates that this missense variant is expected to disrupt COL1A1 protein function with a positive predictive value of 95%. This variant disrupts the triple helix domain of COL1A1. Glycine residues within the Gly-Xaa-Yaa repeats of the triple helix domain are required for the structure and stability of fibrillar collagens (PMID: 7695699, 8218237, 19344236). In COL1A1, variants affecting these glycine residues are significantly enriched in individuals with disease (PMID: 9016532, 17078022) compared to the general population (ExAC). For these reasons, this variant has been classified as Pathogenic.

Revvity Omics, Revvity
Classification: Pathogenic. Last evaluated: 2024-01-23. Review status: criteria provided, single submitter. Criteria: ACMG Guidelines, 2015. Collection method: clinical testing. Allele origin: germline.

PreventionGenetics, part of Exact Sciences
Classification: Pathogenic for COL1A1-related condition. Last evaluated: 2023-09-20. Review status: criteria provided, single submitter. Criteria: ACMG Guidelines, 2015. Collection method: clinical testing. Allele origin: germline.
Comment: The COL1A1 c.3226G>A variant is predicted to result in the amino acid substitution p.Gly1076Ser. This variant (legacy nomenclature p.Gly898Ser) was reported in multiple individuals with osteogenesis imperfecta, being de novo when parental testing was performed (Lund. 1997. PubMed ID: 9101304; Table S2, Bowling. 2021. PubMed ID: 34930662; Higuchi. 2021. PubMed ID: 33939306; Table S2, Mei. 2022. PubMed ID: 35909573; Han. 2020. PubMed ID: 31994750). This variant is located in the conserved Gly-Xaa-Yaa triple helical domain where substitutions of a glycine are usually pathogenic (Residues 179-1192; Legacy nomenclature in Marini. 2007. PubMed ID: 17078022 indicates amino acids 1-1012; Symoens. 2014. PubMed ID: 25146735). This variant has not been reported in a large population database, indicating this variant is rare. This variant is interpreted as pathogenic.

GeneDx
Classification: Pathogenic. Last evaluated: 2022-06-14. Review status: criteria provided, single submitter. Criteria: GeneDx Variant Classification Process June 2021. Collection method: clinical testing. Allele origin: germline. Affected: yes.
Comment: Occurs in the triple helical domain and replaces the glycine in the canonical Gly-X-Y repeat; missense substitution of a canonical glycine residue is expected to disrupt normal protein folding and function, and this is an established mechanism of disease (HGMD); Not observed at significant frequency in large population cohorts (gnomAD); In silico analysis supports that this missense variant has a deleterious effect on protein structure/function; This variant is associated with the following publications: (PMID: 27510842, 29499418, 31994750, 8218237, 32034735, 25944380, 21667357, 29150909, 19344236, 9016532, 17078022, 7695699, 25086671, 27519266, 9101304, 28116328, 29807018, 24863959, 33939306, 24077912, 27535533)

Blueprint Genetics
Classification: Pathogenic for COL1A1-related disorders. Last evaluated: 2021-10-11. Review status: criteria provided, single submitter. Criteria: ACMG Guidelines, 2015. Collection method: clinical testing. Allele origin: germline. Affected: yes. Observed: 2 variant alleles.

ARUP Laboratories, Molecular Genetics and Genomics, ARUP Laboratories
Classification: Likely pathogenic. Last evaluated: 2019-12-30. Review status: criteria provided, single submitter. Criteria: ARUP Molecular Germline Variant Investigation Process. Collection method: clinical testing. Allele origin: germline.
Comment: The COL1A1 c.3226G>A; p.Gly1076Ser variant (rs67394386) is reported in the literature in multiple individuals who were affected with osteogenesis imperfect, and this variant was de novo in at least two of these individuals (Lindahl 2015, Lund 1997, Malmgren 2017, and Mrosk 2018). This variant is reported in ClinVar (Variation ID: 425618), but is absent from general population databases (Exome Variant Server, Genome Aggregation Database), indicating it is not a common polymorphism. This codon is located in a triple helix repeat domain, and glycine substitutions are the most frequent pathogenic alterations in this region (Ben Amor 2011). The glycine at codon 1076 is highly conserved, and computational analyses (SIFT, PolyPhen-2) predict that this variant is deleterious. Based on available information, this variant is considered to be likely pathogenic.

Baylor Genetics
Classification: Pathogenic for Osteogenesis imperfecta with normal sclerae, dominant form. Last evaluated: 2019-12-24. Review status: criteria provided, single submitter. Criteria: ACMG Guidelines, 2015. Collection method: clinical testing. Allele origin: unknown. Affected: yes.
Comment: This variant was determined to be pathogenic according to ACMG Guidelines, 2015 [PMID:25741868].

HudsonAlpha Institute for Biotechnology
Classification: Pathogenic for Osteogenesis imperfecta type III. Last evaluated: 2019-01-10. Review status: criteria provided, single submitter. Criteria: ACMG Guidelines, 2015. Collection method: research. Allele origin: de novo. Affected: yes. Observed: 1 variant allele. Study: CSER-SouthSeq.
Comment: ACMG codes: PS2, PS4, PM2, PP3, PP4, PP5

Eurofins Ntd Llc (ga)
Classification: Pathogenic. Last evaluated: 2016-11-21. Review status: criteria provided, single submitter. Criteria: EGL Classification Definitions 2015. Collection method: clinical testing. Allele origin: germline. Observed: 2 variant alleles, 2 heterozygotes.

Juno Genomics, Hangzhou Juno Genomics, Inc
Classification: Pathogenic for Osteoporosis; Infantile cortical hyperostosis; Combined osteogenesis imperfecta and Ehlers-Danlos syndrome 1; Ehlers-Danlos syndrome, arthrochalasia type; Osteogenesis imperfecta type I; Osteogenesis imperfecta, perinatal lethal; Osteogenesis imperfecta type III; Osteogenesis imperfecta with normal sclerae, dominant form. Review status: criteria provided, single submitter. Criteria: ACMG Guidelines, 2015. Collection method: clinical testing. Allele origin: germline. Affected: yes.
Comment: Absent from controls (or at extremely low frequency if recessive) in Genome Aggregation Database, Exome Sequencing Project, 1000 Genomes Project, or Exome Aggregation Consortium.;De novo (both maternity and paternity confirmed) in a patient with the disease and no family history.;Multiple lines of computational evidence support a deleterious effect on the gene or gene product (conservation, evolutionary, splicing impact, etc).;Missense variant in a gene that has a low rate of benign missense variation and where missense variants are a common mechanism of disease.;The prevalence of the variant in affected individuals is significantly increased compared to the prevalence in controls.

Department of Medical Sciences, Uppsala University
Classification: Pathogenic for OI type III. Review status: no assertion criteria provided. Collection method: clinical testing. Allele origin: unknown. Affected: yes. Observed: 1 variant allele. Not counted in ClinVar's aggregate classification.

Literature cited by the submitters: PubMed 27509835 (cited by Clinical Biomedical Laboratory, Shriners Hospital For Children - Canada); PubMed 9101304 (cited by Labcorp Genetics (formerly Invitae), Labcorp); PubMed 26177859 (cited by Labcorp Genetics (formerly Invitae), Labcorp); PubMed 29150909 (cited by Labcorp Genetics (formerly Invitae), Labcorp); PubMed 29499418 (cited by Labcorp Genetics (formerly Invitae), Labcorp); PubMed 7695699 (cited by Labcorp Genetics (formerly Invitae), Labcorp); PubMed 8218237 (cited by Labcorp Genetics (formerly Invitae), Labcorp); PubMed 19344236 (cited by Labcorp Genetics (formerly Invitae), Labcorp); PubMed 9016532 (cited by Labcorp Genetics (formerly Invitae), Labcorp); PubMed 17078022 (cited by Labcorp Genetics (formerly Invitae), Labcorp); PubMed 25944380 (cited by Department of Medical Sciences, Uppsala University).

NM_000088.4(COL1A1):c.3226G>A (p.Gly1076Ser)

Gene: COL1A1 (collagen type I alpha 1 chain; minus strand). Cytogenetic location: 17q21.33.
Variant type: single nucleotide variant.
Coding change: c.3226G>A on transcript NM_000088.4 (MANE Select); coding-DNA position 3226, G replaced by A.
Protein change: p.Gly1076Ser; replaces glycine 1076 with serine.
Molecular consequence: missense variant.
Genome position (GRCh38, 1-based): chr17:50,188,131, C>T on the plus strand (G>A on the coding strand, the complement: COL1A1 is on the minus strand). VCF-style: chr17-50188131-C-T. GRCh37 (hg19) VCF-style: chr17-48265492-C-T.
Other names: c.3226G>A (LRG_1t1); short protein forms G1076S.
Identifiers: ClinVar variation 425618 (VCV000425618.33), dbSNP rs67394386, ClinGen allele CA291543018.